The following is an entry in ClinVar:

NM_003718.5(CDK13):c.1783_1785del (p.Glu595del)

Gene: CDK13 (cyclin dependent kinase 13; plus strand). Cytogenetic location: 7p14.1.
Variant type: Deletion.
Coding change: c.1783_1785del on transcript NM_003718.5 (MANE Select); coding-DNA positions 1783 to 1785, 3 bases deleted (GAG; older notation c.1783_1785delGAG).
Protein change: p.Glu595del; deletes glutamic acid 595.
Molecular consequence: inframe indel (on NM_031267.4).
Genome position (GRCh38, 1-based): chr7:39,988,170-39,988,172, GAG deleted; deleting any 3 consecutive bases within chr7:39,988,168-39,988,172 gives the same sequence; the c. name uses the placement nearest the transcript's 3' end. VCF-style (leftmost placement, unchanged base first): chr7-39988167-AAGG-A. GRCh37 (hg19) VCF-style: chr7-40027766-AAGG-A.
Other names: c.1783_1785delGAG, p.Glu595del (NM_031267.4); short protein forms E595del.
Identifiers: ClinVar variation 2804260 (VCV002804260.3), dbSNP rs2483754957, ClinGen allele CA2739266390.

ClinVar aggregate classification (germline): Uncertain significance (1 of 4 stars; one submission).

Submission:

Labcorp Genetics (formerly Invitae), Labcorp
Classification: Uncertain significance. Last evaluated: 2025-05-05. Review status: criteria provided, single submitter. Criteria: Invitae Variant Classification Sherloc (09022015). Collection method: clinical testing. Allele origin: germline.
Comment: This variant, c.1783_1785del, results in the deletion of 1 amino acid(s) of the CDK13 protein (p.Glu595del), but otherwise preserves the integrity of the reading frame. This variant is not present in population databases (gnomAD no frequency). This variant has not been reported in the literature in individuals affected with CDK13-related conditions. ClinVar contains an entry for this variant (Variation ID: 2804260). Experimental studies and prediction algorithms are not available or were not evaluated, and the functional significance of this variant is currently unknown. In summary, the available evidence is currently insufficient to determine the role of this variant in disease. Therefore, it has been classified as a Variant of Uncertain Significance.